The following is an entry in ClinVar:

ClinVar aggregate classification (germline): Uncertain significance (1 of 4 stars; one submission).

Allele frequency attached by ClinVar (database versions not stated): ESP Exome Variant Server 0.00008.
gnomAD v4.1: 20 of 1,613,556 alleles (0.0012%); highest among the groups gnomAD compares: East Asian, 0.0022%; no homozygotes.

Submission:

Labcorp Genetics (formerly Invitae), Labcorp
Classification: Uncertain significance. Last evaluated: 2022-05-06. Review status: criteria provided, single submitter. Criteria: Invitae Variant Classification Sherloc (09022015). Collection method: clinical testing. Allele origin: germline.
Comment: In summary, the available evidence is currently insufficient to determine the role of this variant in disease. Therefore, it has been classified as a Variant of Uncertain Significance. Algorithms developed to predict the effect of missense changes on protein structure and function are either unavailable or do not agree on the potential impact of this missense change (SIFT: "Deleterious"; PolyPhen-2: "Probably Damaging"; Align-GVGD: "Class C0"). This variant has not been reported in the literature in individuals affected with GGCX-related conditions. This variant is present in population databases (rs142918177, gnomAD 0.006%). This sequence change replaces arginine, which is basic and polar, with tryptophan, which is neutral and slightly polar, at codon 136 of the GGCX protein (p.Arg136Trp).

NM_000821.7(GGCX):c.406C>T (p.Arg136Trp)

Gene: GGCX (gamma-glutamyl carboxylase; minus strand). Cytogenetic location: 2p11.2.
Variant type: single nucleotide variant.
Coding change: c.406C>T on transcript NM_000821.7 (MANE Select); coding-DNA position 406, C replaced by T.
Protein change: p.Arg136Trp; replaces arginine 136 with tryptophan.
Molecular consequence: missense variant.
Genome position (GRCh38, 1-based): chr2:85,558,573, G>A on the plus strand (C>T on the coding strand, the complement: GGCX is on the minus strand). VCF-style: chr2-85558573-G-A. GRCh37 (hg19) VCF-style: chr2-85785696-G-A.
Other names: c.235C>T, p.Arg79Trp (NM_001142269.4); short protein forms R136W, R79W.
Identifiers: ClinVar variation 2421613 (VCV002421613.3), dbSNP rs142918177, ClinGen allele CA1742135.